The following is an entry in ClinVar:

ClinVar aggregate classification (germline): Uncertain significance. Review status: criteria provided, multiple submitters, no conflicts (2 of 4 stars). 2 submissions from 2 submitters: Uncertain significance (2). Last evaluated 2026-06-24.

Conditions:
Low phospholipid associated cholelithiasis (GBD1). Also called: Gallbladder disease 1; Gallstone cholecystitis. Identifiers: Orphanet 69663, MedGen C2609268, MONDO:0010939, OMIM 600803.
Familial intrahepatic cholestasis. Identifiers: Orphanet 284385, MedGen CN296401, MONDO:0017290.
ABCB4-related disorder. Also called: ABCB4-related disorders; ABCB4-related condition.

Submissions (2):

PreventionGenetics, part of Exact Sciences
Classification: Uncertain significance for ABCB4-related condition. Last evaluated: 2026-06-24. Review status: criteria provided, single submitter. Criteria: ACMG Guidelines, 2015. Collection method: clinical testing. Allele origin: germline.
Comment: The ABCB4 c.461T>C variant is predicted to result in the amino acid substitution p.Phe154Ser. This variant has been reported in the heterozygous state in an individual with low phospholipid associated cholelithiasis and in the presumed compound heterozygous state in an individual with neonatal/infantile intrahepatic cholestasis (Poupon et al. 2013. PubMed ID: 23533021; Ito et al. 2022. PubMed ID: 37168916). This variant has not been reported in a large population database (gnomAD), indicating this variant is rare. Although we suspect that this variant may be pathogenic, at this time, the clinical significance of this variant is uncertain due to the absence of conclusive functional and genetic evidence.

Genomenon, Inc
Classification: Uncertain significance for Familial intrahepatic cholestasis; Low phospholipid associated cholelithiasis. Last evaluated: 2026-04-14. Review status: criteria provided, single submitter. Criteria: Genomenon Sequence Variant Interpretation Standards - Updated. Collection method: curation. Allele origin: germline. Affected: yes.
Comment: ABCB4 p.Phe154Ser (c.461T>C) is a missense variant that changes the amino acid at residue 154 from Phenylalanine to Serine. This variant has been observed in at least one proband with an ABCB4-related disorder (PMID:37168916;23533021). It is absent or not present at a significant frequency in gnomAD. In silico models predict that this variant is possibly or probably damaging. In conclusion, we classify ABCB4 p.Phe154Ser (c.461T>C) as a variant of uncertain significance.

Literature cited by the submitters: PubMed 37168916 (cited by Genomenon, Inc); PubMed 23533021 (cited by Genomenon, Inc).

NM_000443.4(ABCB4):c.461T>C (p.Phe154Ser)

Gene: ABCB4 (ATP binding cassette subfamily B member 4; minus strand). Cytogenetic location: 7q21.12.
Variant type: single nucleotide variant.
Coding change: c.461T>C on transcript NM_000443.4 (MANE Select); coding-DNA position 461, T replaced by C.
Protein change: p.Phe154Ser; replaces phenylalanine 154 with serine.
Molecular consequence: missense variant.
Genome position (GRCh38, 1-based): chr7:87,453,019, A>G on the plus strand (T>C on the coding strand, the complement: ABCB4 is on the minus strand). VCF-style: chr7-87453019-A-G. GRCh37 (hg19) VCF-style: chr7-87082335-A-G.
Other names: c.461T>C, p.Phe154Ser (NM_018849.3, NM_018850.3); c.461T>C (NM_000443.3); short protein forms F154S.
Identifiers: ClinVar variation 4846441 (VCV004846441.2).